The following is an entry in ClinVar:

ClinVar aggregate classification (germline): Uncertain significance (1 of 4 stars; one submission).

Conditions:
Pontocerebellar hypoplasia type 2E. Identifiers: Orphanet 247198, MedGen C4014488, MONDO:0014370, OMIM 615851.

Allele frequency attached by ClinVar (database versions not stated): gnomAD 0.00001; TOPMed 0.00001.
gnomAD v4.1: 1 of 1,479,474 alleles (0.000068%); highest among the groups gnomAD compares: African/African-American, 0.0014%; no homozygotes.

Submission:

Baylor Genetics
Classification: Uncertain significance for Pontocerebellar hypoplasia type 2E. Last evaluated: 2019-02-20. Review status: criteria provided, single submitter. Criteria: ACMG Guidelines, 2015. Collection method: clinical testing. Allele origin: unknown. Affected: yes.
Comment: This variant was determined to be of uncertain significance according to ACMG Guidelines, 2015 [PMID:25741868].

NM_001128159.3(VPS53):c.2329G>C (p.Gly777Arg)

Gene: VPS53 (VPS53 subunit of GARP complex; minus strand). Cytogenetic location: 17p13.3.
Variant type: single nucleotide variant.
Coding change: c.2329G>C on transcript NM_001128159.3 (MANE Select); coding-DNA position 2329, G replaced by C.
Protein change: p.Gly777Arg; replaces glycine 777 with arginine.
Molecular consequence: missense variant.
Genome position (GRCh38, 1-based): chr17:519,298, C>G on the plus strand (G>C on the coding strand, the complement: VPS53 is on the minus strand). VCF-style: chr17-519298-C-G. GRCh37 (hg19) VCF-style: chr17-422538-C-G.
Other names: short protein forms G777R.
Identifiers: ClinVar variation 1029111 (VCV001029111.1), dbSNP rs1191869765, ClinGen allele CA397709429.